The following is an entry in ClinVar:

ClinVar aggregate classification (germline): Likely pathogenic (1 of 4 stars; one submission).

Conditions:
Progressive muscular dystrophy. Identifiers: Orphanet 206644, MedGen C4551827, MONDO:0016106.

Submission:

Myriad Genetics, Inc.
Classification: Likely pathogenic for Progressive muscular dystrophy. Last evaluated: 2019-12-16. Review status: criteria provided, single submitter. Criteria: Myriad Autosomal Dominant, Autosomal Recessive and X-Linked Classification Criteria (2023). Collection method: clinical testing. Allele origin: unknown.
Comment: NM_004006.2(DMD):c.6217A>T(K2073*) is expected to be pathogenic in the context of dystrophinopathy (including Duchenne/Becker muscular dystrophy). This variant is predicted to lead to an abnormal or absent protein product due to the creation of a premature termination codon in DMD, a gene where loss-of-function variants are known to be pathogenic. Please note: this variant was assessed in the context of healthy population screening.

NM_004006.3(DMD):c.6217A>T (p.Lys2073Ter)

Gene: DMD (dystrophin; minus strand). Cytogenetic location: Xp21.1.
Variant type: single nucleotide variant.
Coding change: c.6217A>T on transcript NM_004006.3 (MANE Select); coding-DNA position 6217, A replaced by T.
Protein change: p.Lys2073Ter; replaces lysine 2073 with a stop codon.
Molecular consequence: nonsense.
Genome position (GRCh38, 1-based): chrX:32,287,602, T>A on the plus strand (A>T on the coding strand, the complement: DMD is on the minus strand). VCF-style: chrX-32287602-T-A. GRCh37 (hg19) VCF-style: chrX-32305719-T-A.
Other names: c.6193A>T, p.Lys2065Ter (NM_000109.4); c.6205A>T, p.Lys2069Ter (NM_004009.3); c.5848A>T, p.Lys1950Ter (NM_004010.3); c.2194A>T, p.Lys732Ter (NM_004011.4); c.2185A>T, p.Lys729Ter (NM_004012.4); short protein forms K1950*, K2065*, K2069*, K2073*, K729*, K732*.
Identifiers: ClinVar variation 984219 (VCV000984219.4), dbSNP rs773372553, ClinGen allele CA412665986.